The following is an entry in ClinVar:

NM_006295.3(VARS1):c.2597C>G (p.Ser866Cys)

Gene: VARS1 (valyl-tRNA synthetase 1; minus strand). Cytogenetic location: 6p21.33.
Variant type: single nucleotide variant.
Coding change: c.2597C>G on transcript NM_006295.3 (MANE Select); coding-DNA position 2597, C replaced by G.
Protein change: p.Ser866Cys; replaces serine 866 with cysteine.
Molecular consequence: missense variant.
Genome position (GRCh38, 1-based): chr6:31,781,071, G>C on the plus strand (C>G on the coding strand, the complement: VARS1 is on the minus strand). VCF-style: chr6-31781071-G-C. GRCh37 (hg19) VCF-style: chr6-31748848-G-C.
Other names: short protein forms S866C.
Identifiers: ClinVar variation 2662648 (VCV002662648.1), dbSNP rs1182485353, ClinGen allele CA363447262.

ClinVar aggregate classification (germline): Uncertain significance (1 of 4 stars; one submission).

Allele frequency attached by ClinVar (database versions not stated): gnomAD exomes below 0.00001; TOPMed 0.00001; gnomAD 0.00002.
gnomAD v4.1: 6 of 1,613,578 alleles (0.00037%); highest among the groups gnomAD compares: African/African-American, 0.008%; no homozygotes.

Submission:

GeneDx
Classification: Uncertain significance. Last evaluated: 2023-04-11. Review status: criteria provided, single submitter. Criteria: GeneDx Variant Classification Process June 2021. Collection method: clinical testing. Allele origin: germline. Affected: yes.
Comment: In silico analysis supports that this missense variant has a deleterious effect on protein structure/function; Has not been previously published as pathogenic or benign to our knowledge